The following is an entry in ClinVar:

ClinVar aggregate classification (germline): Uncertain significance. Review status: criteria provided, multiple submitters, no conflicts (2 of 4 stars). 2 submissions from 2 submitters: Uncertain significance (2). Last evaluated 2023-05-15.

Submissions (2):

GeneDx
Classification: Uncertain significance. Last evaluated: 2023-05-15. Review status: criteria provided, single submitter. Criteria: GeneDx Variant Classification Process June 2021. Collection method: clinical testing. Allele origin: germline. Affected: yes.
Comment: Not observed at significant frequency in large population cohorts (gnomAD); In silico analysis supports that this missense variant does not alter protein structure/function; Has not been previously published as pathogenic or benign to our knowledge

Revvity Omics, Revvity
Classification: Uncertain significance. Last evaluated: 2022-03-08. Review status: criteria provided, single submitter. Criteria: ACMG Guidelines, 2015. Collection method: clinical testing. Allele origin: germline.

NM_001375524.1(TRRAP):c.8167G>A (p.Glu2723Lys)

Gene: TRRAP (transformation/transcription domain associated protein; plus strand). Cytogenetic location: 7q22.1.
Variant type: single nucleotide variant.
Coding change: c.8167G>A on transcript NM_001375524.1 (MANE Select); coding-DNA position 8167, G replaced by A.
Protein change: p.Glu2723Lys; replaces glutamic acid 2723 with lysine.
Molecular consequence: missense variant.
Genome position (GRCh38, 1-based): chr7:98,976,690, G>A. VCF-style: chr7-98976690-G-A. GRCh37 (hg19) VCF-style: chr7-98574313-G-A.
Other names: c.8146G>A, p.Glu2716Lys (NM_001244580.2); c.8092G>A, p.Glu2698Lys (NM_003496.4); short protein forms E2698K, E2716K, E2723K.
Identifiers: ClinVar variation 2437379 (VCV002437379.4), dbSNP rs2484948317, ClinGen allele CA368303861.
Genomic context (GRCh38, chr7:98,976,690, plus strand): 5'-CTGGGGAAGACACACAACCTCTGGTTCCGGTCCACGCTGATGTTGGAGCACCAGGCTTTT[G>A]AAAAGGGTCTGAGTCTTCAGATTAAGCCGAAGCAAACAACGGAGTTTTATGAGCAGGAGA-3'
Protein context (NP_001362453.1, residues 2713-2733): STLMLEHQAF[Glu2723Lys]KGLSLQIKPK